The following is an entry in ClinVar:

ClinVar aggregate classification (germline): Pathogenic (1 of 4 stars; one submission).

Conditions:
Hereditary hemochromatosis (HFE). Identifiers: MedGen C0392514, MONDO:0006507. Disease mechanism: loss of function.

Allele frequency attached by ClinVar (database versions not stated): gnomAD exomes below 0.00001.
gnomAD v4.1: 1 of 1,614,218 alleles (0.000062%); highest among the groups gnomAD compares: East Asian, 0.0022%; no homozygotes.

Submission:

Labcorp Genetics (formerly Invitae), Labcorp
Classification: Pathogenic for Hereditary hemochromatosis. Last evaluated: 2023-02-14. Review status: criteria provided, single submitter. Criteria: Invitae Variant Classification Sherloc (09022015). Collection method: clinical testing. Allele origin: germline.
Comment: This sequence change creates a premature translational stop signal (p.Lys238*) in the HFE gene. It is expected to result in an absent or disrupted protein product. Loss-of-function variants in HFE are known to be pathogenic (PMID: 27518069). For these reasons, this variant has been classified as Pathogenic. Algorithms developed to predict the effect of sequence changes on RNA splicing suggest that this variant may disrupt the consensus splice site. This variant has not been reported in the literature in individuals affected with HFE-related conditions. This variant is present in population databases (no rsID available, gnomAD 0.006%).

Literature cited by the submitters: PubMed 27518069.

NM_000410.4(HFE):c.712A>T (p.Lys238Ter)

Gene: HFE (homeostatic iron regulator; plus strand). Cytogenetic location: 6p22.2.
Variant type: single nucleotide variant.
Coding change: c.712A>T on transcript NM_000410.4 (MANE Select); coding-DNA position 712, A replaced by T.
Protein change: p.Lys238Ter; replaces lysine 238 with a stop codon.
Molecular consequence: nonsense. On other transcripts: intron variant (1).
Genome position (GRCh38, 1-based): chr6:26,092,780, A>T. VCF-style: chr6-26092780-A-T. GRCh37 (hg19) VCF-style: chr6-26093008-A-T.
Other names: c.712A>T, p.Lys238Ter (NM_001300749.3, NM_001384164.1); c.703A>T, p.Lys235Ter (NM_001406751.1); c.448A>T, p.Lys150Ter (NM_001406752.1, NM_139007.3); c.394A>T, p.Lys132Ter (NM_139003.3); c.436A>T, p.Lys146Ter (NM_139004.3); c.670A>T, p.Lys224Ter (NM_139006.3); c.406A>T, p.Lys136Ter (NM_139008.3); c.643A>T, p.Lys215Ter (NM_139009.3); and 2 more; short protein forms K136*, K224*, K235*, K238*, K58*, K132*, K146*, K150*.
Identifiers: ClinVar variation 2837089 (VCV002837089.3), dbSNP rs1383450519, ClinGen allele CA363207891.